The following is an entry in ClinVar:

NM_006506.5(RASA2):c.1826+4A>G

Gene: RASA2 (RAS p21 protein activator 2; plus strand). Cytogenetic location: 3q23.
Variant type: single nucleotide variant.
Coding change: c.1826+4A>G on transcript NM_006506.5 (MANE Select); 4 bases into the intron after coding-DNA position 1826, A replaced by G.
Molecular consequence: intron variant.
Genome position (GRCh38, 1-based): chr3:141,586,102, A>G. VCF-style: chr3-141586102-A-G. GRCh37 (hg19) VCF-style: chr3-141304944-A-G.
Other names: c.1826+4A>G (NM_001303245.3, NM_001303246.3).
Identifiers: ClinVar variation 3689997 (VCV003689997.2).

ClinVar aggregate classification (germline): Uncertain significance (1 of 4 stars; one submission).

gnomAD v4.1: 3 of 1,588,880 alleles (0.00019%); highest among the groups gnomAD compares: Non-Finnish European, 0.00026%; no homozygotes.

Submission:

Labcorp Genetics (formerly Invitae), Labcorp
Classification: Uncertain significance. Last evaluated: 2024-10-30. Review status: criteria provided, single submitter. Criteria: Invitae Variant Classification Sherloc (09022015). Collection method: clinical testing. Allele origin: germline.
Comment: This sequence change falls in intron 18 of the RASA2 gene. It does not directly change the encoded amino acid sequence of the RASA2 protein. It affects a nucleotide within the consensus splice site. This variant is not present in population databases (gnomAD no frequency). This variant has not been reported in the literature in individuals affected with RASA2-related conditions. Variants that disrupt the consensus splice site are a relatively common cause of aberrant splicing (PMID: 17576681, 9536098). Algorithms developed to predict the effect of sequence changes on RNA splicing suggest that this variant may disrupt the consensus splice site. In summary, the available evidence is currently insufficient to determine the role of this variant in disease. Therefore, it has been classified as a Variant of Uncertain Significance.

Literature cited by the submitters: PubMed 17576681; PubMed 9536098.